The following is an entry in ClinVar:

ClinVar aggregate classification (germline): Conflicting classifications of pathogenicity. Review status: criteria provided, conflicting classifications (1 of 4 stars). 11 submissions from 11 submitters: Uncertain significance (7); Likely benign (3). 1 of the submissions does not count toward it. Last evaluated 2025-09-05.

Conditions:
BRCA2-related cancer predisposition. Identifiers: MedGen CN377758, MONDO:0700269.
Wilms tumor 1 (WT1). Also called: Wilms tumor, somatic. Identifiers: Orphanet 654, MedGen CN033288, MONDO:0008679, OMIM 194070.
Prostate cancer. Also called: Malignant tumor of prostate. Identifiers: Orphanet 1331, MedGen C0376358, MONDO:0008315, HP:0012125.
Familial cancer of breast. Also called: BREAST CANCER, FAMILIAL; Hereditary breast cancer; hereditary breast carcinoma. Identifiers: Orphanet 227535, MedGen C0346153, MONDO:0016419, OMIM 114480. Disease mechanism: loss of function.
Fanconi anemia complementation group D1. Also called: BRCA2-Related Fanconi Anemia. Identifiers: Orphanet 319462, MedGen C1838457, MONDO:0011584, OMIM 605724.
Medulloblastoma (MDB). Also called: Medulloblastoma, somatic; MEDULLOBLASTOMA PREDISPOSITION SYNDROME. Identifiers: Orphanet 616, MedGen C0025149, MeSH D008527, MONDO:0007959, OMIM 155255, HP:0002885.
Breast-ovarian cancer, familial, susceptibility to, 2 (BROVCA2). Also called: BRCA2 Hereditary Breast and Ovarian Cancer. Identifiers: Orphanet 145, MedGen C2675520, MONDO:0012933, OMIM 612555. Disease mechanism: loss of function.
Pancreatic cancer, susceptibility to, 2. Identifiers: Orphanet 1333, MedGen C3150546, MONDO:0013235, OMIM 613347.
Glioma susceptibility 3 (GLM3). Also called: Glioblastoma 3. Identifiers: Orphanet 182067, Orphanet 360, MedGen C2751641, MONDO:0013093, OMIM 613029.
Hereditary cancer-predisposing syndrome. Also called: Hereditary Cancer Syndrome; Tumor predisposition; Hereditary neoplastic syndrome; Neoplastic Syndromes, Hereditary. Identifiers: Orphanet 140162, MedGen C0027672, MeSH D009386, MONDO:0015356.
Hereditary breast ovarian cancer syndrome. Also called: Hereditary breast and/or ovarian cancer syndrome; Hereditary breast and ovarian cancer syndrome; Hereditary breast and ovarian cancer syndrome (HBOC); Hereditary breast and ovarian cancer; Breast and ovarian cancer; BRCA1- and BRCA2-Associated Hereditary Breast and Ovarian Cancer. Identifiers: Orphanet 145, MedGen C0677776, MeSH D061325, MONDO:0003582. Disease mechanism: loss of function.

Allele frequency attached by ClinVar (database versions not stated): gnomAD exomes below 0.00001.
gnomAD v4.1: 2 of 1,613,888 alleles (0.00012%); highest among the groups gnomAD compares: Middle Eastern, 0.017%; no homozygotes.

Submissions (11):

Labcorp Genetics (formerly Invitae), Labcorp
Classification: Likely benign for Hereditary breast ovarian cancer syndrome. Last evaluated: 2025-09-05. Review status: criteria provided, single submitter. Criteria: Invitae Variant Classification Sherloc (09022015). Collection method: clinical testing. Allele origin: germline.

Ambry Genetics
Classification: Likely benign for Hereditary cancer-predisposing syndrome. Last evaluated: 2024-09-25. Review status: criteria provided, single submitter. Criteria: Ambry Variant Classification Scheme 2023. Collection method: clinical testing. Allele origin: germline.

Color Diagnostics, LLC DBA Color Health
Classification: Uncertain significance for Hereditary cancer-predisposing syndrome. Last evaluated: 2024-08-07. Review status: criteria provided, single submitter. Criteria: ACMG Guidelines, 2015. Collection method: clinical testing. Allele origin: germline.
Comment: This missense variant replaces histidine with arginine at codon 1916 of the BRCA2 protein. Computational prediction suggests that this variant may not impact protein structure and function. To our knowledge, functional studies have not been reported for this variant. This variant has been detected in a breast cancer case-control meta-analysis in 1/60466 cases and 0/53461 unaffected individuals (PMID: 33471991; Leiden Open Variation Database DB-ID BRCA2_007578). Multifactorial analyses have reported likelihood ratios for pathogenicity based on co-occurrence with a pathogenic variant and personal and family history of 1.0498 and 0.781 from log(LR) = -0.107252613, respectively (PMID: 31131967, 31853058). This variant has not been identified in the general population by the Genome Aggregation Database (gnomAD). The available evidence is insufficient to determine the role of this variant in disease conclusively. Therefore, this variant is classified as a Variant of Uncertain Significance.

All of Us Research Program, National Institutes of Health
Classification: Uncertain significance for BRCA2-related cancer predisposition. Last evaluated: 2024-04-16. Review status: criteria provided, single submitter. Criteria: ACMG Guidelines, 2015. Collection method: clinical testing. Allele origin: germline. Inheritance: Autosomal dominant inheritance. Observed: 1 variant allele, 1 heterozygote.
Comment: This missense variant replaces histidine with arginine at codon 1916 of the BRCA2 protein. Computational prediction suggests that this variant may not impact protein structure and function (internally defined REVEL score threshold <= 0.5, PMID: 27666373). To our knowledge, functional studies have not been reported for this variant. This variant has not been reported in individuals affected with BRCA2-related disorders in the literature. This variant has not been identified in the general population by the Genome Aggregation Database (gnomAD). The available evidence is insufficient to determine the role of this variant in disease conclusively. Therefore, this variant is classified as a Variant of Uncertain Significance.

This study involves interpretation of variants in research participants for the purpose of population health screening. Participant phenotype was not available at the time of variant classification. Additional details can be found in publication PMID: 35346344, PMCID: PMC8962531

University of Washington Department of Laboratory Medicine, University of Washington
Classification: Likely benign for Hereditary cancer-predisposing syndrome. Last evaluated: 2023-03-23. Review status: criteria provided, single submitter. Criteria: Dines et al. (Genet Med. 2020). Collection method: curation. Allele origin: germline.
Comment: Missense variant in a coldspot region where missense variants are very unlikely to be pathogenic (PMID:31911673).

BRCA2 exon 11 coldspot. Reclassification based on statistical prior probability.

St. Jude Molecular Pathology, St. Jude Children's Research Hospital
Classification: Uncertain significance for Hereditary breast ovarian cancer syndrome. Last evaluated: 2021-08-04. Review status: criteria provided, single submitter. Criteria: St. Jude Assertion Criteria 2020. Collection method: clinical testing. Allele origin: germline.

Fulgent Genetics
Classification: Uncertain significance for Familial cancer of breast; Medulloblastoma; Familial prostate cancer; Wilms tumor 1; Fanconi anemia complementation group D1; Breast-ovarian cancer, familial, susceptibility to, 2; Glioma susceptibility 3; Pancreatic cancer, susceptibility to, 2. Last evaluated: 2018-10-31. Review status: criteria provided, single submitter. Criteria: ACMG Guidelines, 2015. Collection method: clinical testing. Allele origin: unknown.

GeneDx
Classification: Uncertain significance. Last evaluated: 2018-05-02. Review status: criteria provided, single submitter. Criteria: GeneDx Variant Classification (06012015). Collection method: clinical testing. Allele origin: germline. Affected: yes.
Comment: This variant is denoted BRCA2 c.5747A>G at the cDNA level, p.His1916Arg (H1916R) at the protein level, and results in the change of a Histidine to an Arginine (CAT>CGT). Using alternate nomenclature, this variant would be defined as BRCA2 5975A>G. This variant has not, to our knowledge, been published in the literature as pathogenic or benign. BRCA2 His1916Arg was not observed in large population cohorts (Lek 2016). This variant is located in the RAD51 binding domain (Roy 2012). In silico analysis, which includes protein predictors and evolutionary conservation, supports a deleterious effect. Based on currently available evidence, it is unclear whether BRCA2 His1916Arg is a pathogenic or benign variant. We consider it to be a variant of uncertain significance.

Women's Health and Genetics/Laboratory Corporation of America, LabCorp
Classification: Uncertain significance. Last evaluated: 2018-04-12. Review status: criteria provided, single submitter. Criteria: LabCorp Variant Classification Summary - May 2015. Collection method: clinical testing. Allele origin: germline.
Comment: Variant summary: BRCA2 c.5747A>G (p.His1916Arg) results in a non-conservative amino acid change in the encoded protein sequence. Three of five in-silico tools predict a benign effect of the variant on protein function. The variant was absent in 276448 control chromosomes. The available data on variant occurrences in the general population are insufficient to allow any conclusion about variant significance. To our knowledge, no germline occurrence of c.5747A>G in individuals affected with Hereditary Breast and Ovarian Cancer and no experimental evidence demonstrating its impact on protein function have been reported. Co-occurrence with another pathogenic variant has been identified in our laboratory (BRCA1 c.5193+1G>T), providing supporting evidence for a benign role. Two clinical diagnostic laboratories have submitted clinical-significance assessments for this variant to ClinVar after 2014 and both classified the variant as uncertain significance. Based on the evidence outlined above, the variant was classified as uncertain significance.

Quest Diagnostics Nichols Institute San Juan Capistrano
Classification: Uncertain significance. Last evaluated: 2018-01-17. Review status: criteria provided, single submitter. Criteria: Quest Diagnostics criteria. Collection method: clinical testing. Allele origin: germline.

Sharing Clinical Reports Project (SCRP)
Classification: Uncertain significance for Breast-ovarian cancer, familial 2. Last evaluated: 2012-05-01. Review status: no assertion criteria provided. Collection method: clinical testing. Allele origin: germline. Not counted in ClinVar's aggregate classification.

Literature cited by the submitters: PubMed 31131967 (cited by Color Diagnostics, LLC DBA Color Health); PubMed 31853058 (cited by Color Diagnostics, LLC DBA Color Health); PubMed 33471991 (cited by Color Diagnostics, LLC DBA Color Health); PubMed 15766593 (cited by Women's Health and Genetics/Laboratory Corporation of America, LabCorp).

NM_000059.4(BRCA2):c.5747A>G (p.His1916Arg)

Gene: BRCA2 (BRCA2 DNA repair associated; plus strand). Cytogenetic location: 13q13.1.
Variant type: single nucleotide variant.
Coding change: c.5747A>G on transcript NM_000059.4 (MANE Select); coding-DNA position 5747, A replaced by G.
Protein change: p.His1916Arg; replaces histidine 1916 with arginine.
Molecular consequence: missense variant.
Genome position (GRCh38, 1-based): chr13:32,340,102, A>G. VCF-style: chr13-32340102-A-G. GRCh37 (hg19) VCF-style: chr13-32914239-A-G.
Other names: p.H1916R:CAT>CGT; 5975A>G; short protein forms H1916R.
Identifiers: ClinVar variation 96828 (VCV000096828.30), dbSNP rs431825334, ClinGen allele CA023149.
Genomic context (GRCh38, chr13:32,340,102, plus strand): 5'-CATTGGATGATTCAGAGGATATTCTTCATAACTCTCTAGATAATGATGAATGTAGCACGC[A>G]TTCACATAAGGTTTTTGCTGACATTCAGAGTGAAGAAATTTTACAACATAACCAAAATAT-3'
Protein context (NP_000050.3, residues 1906-1926): NSLDNDECST[His1916Arg]SHKVFADIQS